The following is an entry in ClinVar:

NM_002692.4(POLE2):c.417+1G>T

Gene: POLE2 (DNA polymerase epsilon 2, accessory subunit; minus strand). Cytogenetic location: 14q21.3.
Variant type: single nucleotide variant.
Coding change: c.417+1G>T on transcript NM_002692.4 (MANE Select); the canonical splice donor site of the intron after coding-DNA position 417, G replaced by T.
Molecular consequence: splice donor variant.
Genome position (GRCh38, 1-based): chr14:49,674,122, C>A on the plus strand (G>T on the coding strand, the complement: POLE2 is on the minus strand). VCF-style: chr14-49674122-C-A. GRCh37 (hg19) VCF-style: chr14-50140840-C-A.
Other names: c.339+1G>T (NM_001197330.2); c.417+1G>T (NM_001348384.2, NM_001197331.3); c.186+1G>T (NM_001348385.2).
Identifiers: ClinVar variation 3710294 (VCV003710294.2).

ClinVar aggregate classification (germline): Uncertain significance (1 of 4 stars; one submission).

gnomAD v4.1: 3 of 1,589,710 alleles (0.00019%); highest among the groups gnomAD compares: Non-Finnish European, 0.00026%; no homozygotes.

Submission:

Labcorp Genetics (formerly Invitae), Labcorp
Classification: Uncertain significance. Last evaluated: 2024-06-07. Review status: criteria provided, single submitter. Criteria: Invitae Variant Classification Sherloc (09022015). Collection method: clinical testing. Allele origin: germline.
Comment: This sequence change affects a donor splice site in intron 5 of the POLE2 gene. It is expected to disrupt RNA splicing. Variants that disrupt the donor or acceptor splice site typically lead to a loss of protein function (PMID: 16199547), however the current clinical and genetic evidence is not sufficient to establish whether loss-of-function variants in POLE2 cause disease. This variant is not present in population databases (gnomAD no frequency). This variant has not been reported in the literature in individuals affected with POLE2-related conditions. Algorithms developed to predict the effect of sequence changes on RNA splicing suggest that this variant may disrupt the consensus splice site. In summary, the available evidence is currently insufficient to determine the role of this variant in disease. Therefore, it has been classified as a Variant of Uncertain Significance.

Literature cited by the submitters: PubMed 16199547.